The following is an entry in ClinVar:

NM_000685.5(AGTR1):c.1062_1063del (p.Cys355fs)

Gene: AGTR1 (angiotensin II receptor type 1; plus strand). Cytogenetic location: 3q24.
Variant type: Deletion.
Coding change: c.1062_1063del on transcript NM_000685.5 (MANE Select); coding-DNA positions 1062 to 1063, 2 bases deleted (AT; older notation c.1062_1063delAT).
Protein change: p.Cys355fs; shifts the reading frame from cysteine 355.
Molecular consequence: frameshift variant.
Genome position (GRCh38, 1-based): chr3:148,742,097-148,742,098, AT deleted. VCF-style (leftmost placement, unchanged base first): chr3-148742096-CAT-C. GRCh37 (hg19) VCF-style: chr3-148459883-CAT-C.
Other names: c.1062_1063del, p.Cys355fs (NM_009585.4, NM_031850.4, NM_032049.4 and 3 more transcripts); short protein forms C355fs.
Identifiers: ClinVar variation 4886303 (VCV004886303.2).

ClinVar aggregate classification (germline): Uncertain significance (1 of 4 stars; one submission).

Submission:

Dasa
Classification: Uncertain significance. Last evaluated: 2025-06-04. Review status: criteria provided, single submitter. Criteria: DASA Assertion Criteria. Collection method: clinical testing. Allele origin: germline.
Comment: NM_000685.5(AGTR1):c.1062_1063del (p.Cys355Phefs*2) is a frameshift variant in AGTR1 predicted to alter the reading frame and introduce a premature termination codon and is predicted to result in an absent or altered protein product. This variant is rare in population databases. The currently available literature and clinical evidence are not sufficient to establish a definitive association between this variant and the reported condition. Therefore, this variant is classified as a variant of uncertain significance.